The following is an entry in ClinVar:

NM_000384.3(APOB):c.9490A>T (p.Thr3164Ser)

Gene: APOB (apolipoprotein B; minus strand). Cytogenetic location: 2p24.1.
Variant type: single nucleotide variant.
Coding change: c.9490A>T on transcript NM_000384.3 (MANE Select); coding-DNA position 9490, A replaced by T.
Protein change: p.Thr3164Ser; replaces threonine 3164 with serine.
Molecular consequence: missense variant.
Genome position (GRCh38, 1-based): chr2:21,007,378, T>A on the plus strand (A>T on the coding strand, the complement: APOB is on the minus strand). VCF-style: chr2-21007378-T-A. GRCh37 (hg19) VCF-style: chr2-21230250-T-A.
Other names: short protein forms T3164S.
Identifiers: ClinVar variation 4794636 (VCV004794636.1).

ClinVar aggregate classification (germline): Uncertain significance (1 of 4 stars; one submission).

Conditions:
Familial hypobetalipoproteinemia 1. Also called: Hypobetalipoproteinemia, normotriglyceridemic; Acanthocytosis with hypobetalipoproteinemia; APOB-Related Familial Hypobetalipoproteinemia. Identifiers: MedGen C4551990, MONDO:0014252, OMIM 615558.
Hypercholesterolemia, autosomal dominant, type B (FHCL2). Also called: Familial Hypercholesterolemia Type B; APOLIPOPROTEIN B-100, FAMILIAL DEFECTIVE; APOLIPOPROTEIN B-100, FAMILIAL LIGAND-DEFECTIVE; HYPERCHOLESTEROLEMIA, FAMILIAL, DUE TO LIGAND-DEFECTIVE APOLIPOPROTEIN B; APOB-Related Familial Hypercholesterolemia, Autosomal Dominant; Hyperlipoproteinemia Type IIb. Identifiers: MedGen C1704417, MONDO:0007751, OMIM 144010.

Submission:

Labcorp Genetics (formerly Invitae), Labcorp
Classification: Uncertain significance for Familial hypobetalipoproteinemia 1; Hypercholesterolemia, autosomal dominant, type B. Last evaluated: 2025-10-22. Review status: criteria provided, single submitter. Criteria: Invitae Variant Classification Sherloc (09022015). Collection method: clinical testing. Allele origin: germline.
Comment: This sequence change replaces threonine, which is neutral and polar, with serine, which is neutral and polar, at codon 3164 of the APOB protein (p.Thr3164Ser). This variant is not present in population databases (gnomAD no frequency). This variant has not been reported in the literature in individuals affected with APOB-related conditions. Invitae Evidence Modeling of protein sequence and biophysical properties (such as structural, functional, and spatial information, amino acid conservation, physicochemical variation, residue mobility, and thermodynamic stability) indicates that this missense variant is not expected to disrupt APOB protein function with a negative predictive value of 95%. In summary, the available evidence is currently insufficient to determine the role of this variant in disease. Therefore, it has been classified as a Variant of Uncertain Significance.